The following is an entry in ClinVar:

ClinVar aggregate classification (germline): Uncertain significance (1 of 4 stars; one submission).

Conditions:
Arrhythmogenic cardiomyopathy with wooly hair and keratoderma. Also called: PALMOPLANTAR KERATODERMA WITH LEFT VENTRICULAR CARDIOMYOPATHY AND WOOLLY HAIR; Carvajal syndrome; Dilated cardiomyopathy with woolly hair and keratoderma; Arrhythmogenic cardiomyopathy with woolly hair and keratoderma. Identifiers: Orphanet 65282, MedGen C1854063, MONDO:0011581, OMIM 605676.

Allele frequency attached by ClinVar (database versions not stated): 1000 Genomes Project 30x 0.00016; 1000 Genomes Project 0.00020.
gnomAD v4.1: 2 of 1,614,002 alleles (0.00012%); highest among the groups gnomAD compares: Non-Finnish European, 0.00017%; no homozygotes.

Submission:

All of Us Research Program, National Institutes of Health
Classification: Uncertain significance for Arrhythmogenic cardiomyopathy with wooly hair and keratoderma. Last evaluated: 2024-01-11. Review status: criteria provided, single submitter. Criteria: ACMG Guidelines, 2015. Collection method: clinical testing. Allele origin: germline. Inheritance: Autosomal dominant inheritance. Observed: 1 variant allele, 1 heterozygote.
Comment: This study involves interpretation of variants in research participants for the purpose of population health screening. Participant phenotype was not available at the time of variant classification. Additional details can be found in publication PMID: 35346344, PMCID: PMC8962531

NM_004415.4(DSP):c.3923G>C (p.Arg1308Pro)

Gene: DSP (desmoplakin; plus strand). Cytogenetic location: 6p24.3.
Variant type: single nucleotide variant.
Coding change: c.3923G>C on transcript NM_004415.4 (MANE Select); coding-DNA position 3923, G replaced by C.
Protein change: p.Arg1308Pro; replaces arginine 1308 with proline.
Molecular consequence: missense variant. On other transcripts: intron variant (1).
Genome position (GRCh38, 1-based): chr6:7,580,113, G>C. VCF-style: chr6-7580113-G-C. GRCh37 (hg19) VCF-style: chr6-7580346-G-C.
Other names: c.3923G>C, p.Arg1308Pro (NM_001319034.2); c.3582+341G>C (NM_001008844.3); short protein forms R1308P.
Identifiers: ClinVar variation 3075372 (VCV003075372.1), dbSNP rs184154918, ClinGen allele CA039623.